The following is an entry in ClinVar:

NM_000829.4(GRIA4):c.389T>G (p.Phe130Cys)

Genes: GRIA4 (glutamate ionotropic receptor AMPA type subunit 4; plus strand), LOC126861324 (CDK7 strongly-dependent group 2 enhancer GRCh37_chr11:105623830-105625029; plus strand). Cytogenetic location: 11q22.3.
Variant type: single nucleotide variant.
Coding change: c.389T>G on transcript NM_000829.4 (MANE Select); coding-DNA position 389, T replaced by G.
Protein change: p.Phe130Cys; replaces phenylalanine 130 with cysteine.
Molecular consequence: missense variant. On other transcripts: non-coding transcript variant (1).
Genome position (GRCh38, 1-based): chr11:105,753,122, T>G. VCF-style: chr11-105753122-T-G. GRCh37 (hg19) VCF-style: chr11-105623848-T-G.
Other names: c.389T>G, p.Phe130Cys (NM_001077243.3, NM_001077244.2, NM_001112812.2); short protein forms F130C.
Identifiers: ClinVar variation 2500395 (VCV002500395.2), dbSNP rs2497083937, ClinGen allele CA382299176.

ClinVar aggregate classification (germline): Uncertain significance (1 of 4 stars; one submission).

Allele frequency attached by ClinVar (database versions not stated): gnomAD exomes below 0.00001.
gnomAD v4.1: 2 of 1,613,860 alleles (0.00012%); highest among the groups gnomAD compares: Non-Finnish European, 0.00017%; no homozygotes.

Submission:

GeneDx
Classification: Uncertain significance. Last evaluated: 2024-09-04. Review status: criteria provided, single submitter. Criteria: GeneDx Variant Classification Process June 2021. Collection method: clinical testing. Allele origin: germline.
Comment: Not observed at significant frequency in large population cohorts (gnomAD); In silico analysis supports that this missense variant has a deleterious effect on protein structure/function; Has not been previously published as pathogenic or benign to our knowledge